The following is an entry in ClinVar:

ClinVar aggregate classification (germline): Uncertain significance (1 of 4 stars; one submission).

Submission:

Laboratory for Molecular Medicine, Mass General Brigham Personalized Medicine
Classification: Uncertain significance. Last evaluated: 2018-03-09. Review status: criteria provided, single submitter. Criteria: LMM Criteria. Collection method: clinical testing. Allele origin: germline. Observed: 1 variant allele.
Comment: The p.Cys416Tyr variant in TRIOBP has not been previously reported in individual s with hearing loss and was absent from large population studies. Computational prediction tools and conservation analysis suggest that the p.Cys416Tyr variant may not impact the protein, though this information is not predictive enough to rule out pathogenicity. In summary, the clinical significance of the p.Cys416Tyr variant is uncertain. ACMG/AMP Criteria applied: PM2; BP4.

NM_001039141.3(TRIOBP):c.6324+214G>A

Gene: TRIOBP (TRIO and F-actin binding protein; plus strand). Cytogenetic location: 22q13.1.
Variant type: single nucleotide variant.
Coding change: c.6324+214G>A on transcript NM_001039141.3 (MANE Select); 214 bases into the intron after coding-DNA position 6324, G replaced by A.
Molecular consequence: intron variant. On other transcripts: missense variant (1).
Genome position (GRCh38, 1-based): chr22:37,759,478, G>A. VCF-style: chr22-37759478-G-A. GRCh37 (hg19) VCF-style: chr22-38155485-G-A.
Other names: c.1247G>A, p.Cys416Tyr (NM_138632.2); c.1185+214G>A (NM_007032.5); short protein forms C416Y.
Identifiers: ClinVar variation 667342 (VCV000667342.4), dbSNP rs1601661052, ClinGen allele CA411508619.